The following is an entry in ClinVar:

NM_001083962.2(TCF4):c.1727G>C (p.Arg576Pro)

Gene: TCF4 (transcription factor 4; minus strand). Cytogenetic location: 18q21.2.
Variant type: single nucleotide variant.
Coding change: c.1727G>C on transcript NM_001083962.2 (MANE Select); coding-DNA position 1727, G replaced by C.
Protein change: p.Arg576Pro; replaces arginine 576 with proline.
Molecular consequence: missense variant.
Genome position (GRCh38, 1-based): chr18:55,228,999, C>G on the plus strand (G>C on the coding strand, the complement: TCF4 is on the minus strand). VCF-style: chr18-55228999-C-G. GRCh37 (hg19) VCF-style: chr18-52896230-C-G.
Other names: c.2033G>C, p.Arg678Pro (NM_001243226.3); c.1655G>C, p.Arg552Pro (NM_001243227.2, NM_001348217.1, NM_001348218.2 and 1 more transcripts); c.1745G>C, p.Arg582Pro (NM_001243228.2); c.1706G>C, p.Arg569Pro (NM_001243230.2); c.1601G>C, p.Arg534Pro (NM_001348211.2); c.1325G>C, p.Arg442Pro (NM_001348212.2, NM_001243233.2); c.1337G>C, p.Arg446Pro (NM_001348213.2, NM_001330605.3); c.1232G>C, p.Arg411Pro (NM_001348214.2); and 14 more; short protein forms R360P, R411P, R412P, R416P, R442P, R446P, R501P, R505P.
Identifiers: ClinVar variation 4530805 (VCV004530805.1).

ClinVar aggregate classification (germline): Pathogenic (1 of 4 stars; one submission).

Submission:

GeneDx
Classification: Pathogenic. Last evaluated: 2025-05-19. Review status: criteria provided, single submitter. Criteria: GeneDx Variant Classification Process June 2021. Collection method: clinical testing. Allele origin: germline. Affected: yes.
Comment: Not observed at significant frequency in large population cohorts (gnomAD); In silico analysis supports that this missense variant has a deleterious effect on protein structure/function; Has not been previously published as pathogenic or benign to our knowledge; This variant is associated with the following publications: (PMID: 31081034)